The following is an entry in ClinVar:

NM_001394062.1(MACF1):c.1754A>C (p.Tyr585Ser)

Gene: MACF1 (microtubule actin crosslinking factor 1; plus strand). Cytogenetic location: 1p34.3.
Variant type: single nucleotide variant.
Coding change: c.1754A>C on transcript NM_001394062.1 (MANE Select); coding-DNA position 1754, A replaced by C.
Protein change: p.Tyr585Ser; replaces tyrosine 585 with serine.
Molecular consequence: missense variant.
Genome position (GRCh38, 1-based): chr1:39,287,531, A>C. VCF-style: chr1-39287531-A-C. GRCh37 (hg19) VCF-style: chr1-39753203-A-C.
Other names: c.1769A>C, p.Tyr590Ser (NM_012090.5); short protein forms Y585S, Y590S.
Identifiers: ClinVar variation 2632508 (VCV002632508.2), dbSNP rs2521408977, ClinGen allele CA339763084.

ClinVar aggregate classification (germline): Uncertain significance (1 of 4 stars; one submission).

Conditions:
MACF1-related disorder. Also called: MACF1-related condition.

gnomAD v4.1: 2 of 1,614,224 alleles (0.00012%); highest among the groups gnomAD compares: Non-Finnish European, 0.00017%; no homozygotes.

Submission:

PreventionGenetics, part of Exact Sciences
Classification: Uncertain significance for MACF1-related condition. Last evaluated: 2026-08-26. Review status: criteria provided, single submitter. Criteria: ACMG Guidelines, 2015. Collection method: clinical testing. Allele origin: germline.
Comment: The MACF1 c.1769A>C variant is predicted to result in the amino acid substitution p.Tyr590Ser. To our knowledge, this variant has not been reported in the literature or in a large population database (gnomAD), indicating this variant is rare. At this time, the clinical significance of this variant is uncertain due to the absence of conclusive functional and genetic evidence.